The following is an entry in ClinVar:

NM_001572.5(IRF7):c.1197C>G (p.Asn399Lys)

Gene: IRF7 (interferon regulatory factor 7; minus strand). Cytogenetic location: 11p15.5.
Variant type: single nucleotide variant.
Coding change: c.1197C>G on transcript NM_001572.5 (MANE Select); coding-DNA position 1197, C replaced by G.
Protein change: p.Asn399Lys; replaces asparagine 399 with lysine.
Molecular consequence: missense variant.
Genome position (GRCh38, 1-based): chr11:613,246, G>C on the plus strand (C>G on the coding strand, the complement: IRF7 is on the minus strand). VCF-style: chr11-613246-G-C. GRCh37 (hg19) VCF-style: chr11-613246-G-C.
Other names: c.1110C>G, p.Asn370Lys (NM_004029.4); c.1236C>G, p.Asn412Lys (NM_004031.4); short protein forms N370K, N399K, N412K.
Identifiers: ClinVar variation 1015030 (VCV001015030.8), dbSNP rs1170269409, ClinGen allele CA378978597.
Genomic context (GRCh38, chr11:613,246, plus strand): 5'-CAGGCAAGGGCCTCACTGACCTTGGAAGAAGACTCTGAAGTCGAAGATGGGGGTGTCACA[G>C]TTCCGAGGCAGCAGGCAGGCTGGGGTGGAGGGGCTGGCGGAGCCTGGGGGTCCGCCCACC-3'
Protein context (NP_001563.2, residues 389-409): PSTPACLLPR[Asn399Lys]CDTPIFDFRV

ClinVar aggregate classification (germline): Uncertain significance (1 of 4 stars; one submission).

Conditions:
Immunodeficiency 39 (IMD39). Identifiers: Orphanet 574918, MedGen C4225358, MONDO:0014597, OMIM 616345.

Allele frequency attached by ClinVar (database versions not stated): TOPMed 0.00001.
gnomAD v4.1: 1 of 1,596,596 alleles (0.000063%); highest among the groups gnomAD compares: East Asian, 0.0022%; no homozygotes.

Submission:

Labcorp Genetics (formerly Invitae), Labcorp
Classification: Uncertain significance for Immunodeficiency 39. Last evaluated: 2022-07-12. Review status: criteria provided, single submitter. Criteria: Invitae Variant Classification Sherloc (09022015). Collection method: clinical testing. Allele origin: germline.
Comment: In summary, the available evidence is currently insufficient to determine the role of this variant in disease. Therefore, it has been classified as a Variant of Uncertain Significance. Algorithms developed to predict the effect of sequence changes on RNA splicing suggest that this variant may create or strengthen a splice site. Algorithms developed to predict the effect of missense changes on protein structure and function are either unavailable or do not agree on the potential impact of this missense change (SIFT: "Deleterious"; PolyPhen-2: "Probably Damaging"; Align-GVGD: "Class C0"). ClinVar contains an entry for this variant (Variation ID: 1015030). This variant has not been reported in the literature in individuals affected with IRF7-related conditions. This variant is present in population databases (no rsID available, gnomAD 0.006%). This sequence change replaces asparagine, which is neutral and polar, with lysine, which is basic and polar, at codon 412 of the IRF7 protein (p.Asn412Lys).